The following is an entry in ClinVar:

NM_203447.4(DOCK8):c.2173G>A (p.Glu725Lys)

Gene: DOCK8 (dedicator of cytokinesis 8; plus strand). Cytogenetic location: 9p24.3.
Variant type: single nucleotide variant.
Coding change: c.2173G>A on transcript NM_203447.4 (MANE Select); coding-DNA position 2173, G replaced by A.
Protein change: p.Glu725Lys; replaces glutamic acid 725 with lysine.
Molecular consequence: missense variant.
Genome position (GRCh38, 1-based): chr9:376,273, G>A. VCF-style: chr9-376273-G-A. GRCh37 (hg19) VCF-style: chr9-376273-G-A.
Other names: c.1969G>A, p.Glu657Lys (NM_001190458.2, NM_001193536.2); short protein forms E725K, E657K.
Identifiers: ClinVar variation 1438753 (VCV001438753.8), dbSNP rs756762635, ClinGen allele CA4958104.

ClinVar aggregate classification (germline): Uncertain significance (1 of 4 stars; one submission).

Conditions:
Combined immunodeficiency due to DOCK8 deficiency (HIES2). Also called: HYPER-IgE SYNDROME 2, AUTOSOMAL RECESSIVE, WITH RECURRENT INFECTIONS; HIES autosomal recessive; DOCK8 Deficiency; Hyper-IgE recurrent infection syndrome, autosomal recessive; HYPER-IgE RECURRENT INFECTION SYNDROME 2, AUTOSOMAL RECESSIVE. Identifiers: Orphanet 217390, MedGen C4722305, MONDO:0009478, OMIM 243700.

Allele frequency attached by ClinVar (database versions not stated): TOPMed below 0.00001; ExAC 0.00001; gnomAD 0.00001; gnomAD exomes 0.00001 and 0.00003.
gnomAD v4.1: 38 of 1,613,222 alleles (0.0024%); highest among the groups gnomAD compares: Non-Finnish European, 0.0031%; no homozygotes.

Submission:

Labcorp Genetics (formerly Invitae), Labcorp
Classification: Uncertain significance for Combined immunodeficiency due to DOCK8 deficiency. Last evaluated: 2024-01-29. Review status: criteria provided, single submitter. Criteria: Invitae Variant Classification Sherloc (09022015). Collection method: clinical testing. Allele origin: germline.
Comment: This sequence change replaces glutamic acid, which is acidic and polar, with lysine, which is basic and polar, at codon 725 of the DOCK8 protein (p.Glu725Lys). This variant is present in population databases (rs756762635, gnomAD 0.002%). This variant has not been reported in the literature in individuals affected with DOCK8-related conditions. ClinVar contains an entry for this variant (Variation ID: 1438753). Advanced modeling of protein sequence and biophysical properties (such as structural, functional, and spatial information, amino acid conservation, physicochemical variation, residue mobility, and thermodynamic stability) has been performed at Invitae for this missense variant, however the output from this modeling did not meet the statistical confidence thresholds required to predict the impact of this variant on DOCK8 protein function. In summary, the available evidence is currently insufficient to determine the role of this variant in disease. Therefore, it has been classified as a Variant of Uncertain Significance.